The following is an entry in ClinVar:

ClinVar aggregate classification (germline): Likely benign (1 of 4 stars; one submission).

gnomAD v4.1: 147 of 1,613,986 alleles (0.0091%); highest among the groups gnomAD compares: Admixed American, 0.24%; no homozygotes.

Submission:

CeGaT Center for Human Genetics Tuebingen
Classification: Likely benign. Last evaluated: 2026-09-01. Review status: criteria provided, single submitter. Criteria: CeGaT Center For Human Genetics Tuebingen Variant Classification Criteria Version 2. Collection method: clinical testing. Allele origin: germline. Affected: yes. Observed: 2 variant alleles.
Comment: NAV3: BP4, BP7

NM_001024383.2(NAV3):c.1332T>G (p.Pro444=)

Gene: NAV3 (neuron navigator 3; plus strand). Cytogenetic location: 12q21.2.
Variant type: single nucleotide variant.
Coding change: c.1332T>G on transcript NM_001024383.2 (MANE Select); coding-DNA position 1332, T replaced by G.
Protein change: p.Pro444=; no amino-acid change (proline 444 retained).
Molecular consequence: synonymous variant.
Genome position (GRCh38, 1-based): chr12:78,006,870, T>G. VCF-style: chr12-78006870-T-G. GRCh37 (hg19) VCF-style: chr12-78400650-T-G.
Other names: c.1332T>G, p.Pro444= (NM_014903.6).
Identifiers: ClinVar variation 4874369 (VCV004874369.2).
Genomic context (GRCh38, chr12:78,006,870, plus strand): 5'-AGGTTTTAACAGTGGTCTGAATAGTGGTGGCTCAACAAATAGCAGTCCCAAAGTGTCACC[T>G]AAGTTGGCCCCTCCAAAAGCTGGAAGCAAAAATCTCAGCAATAAAAAGTCTTTGCTACAG-3'
Protein context (NP_001019554.1, residues 434-454): GSTNSSPKVS[Pro444=]KLAPPKAGSK